The following is an entry in ClinVar:

ClinVar aggregate classification (germline): Likely benign. Review status: criteria provided, multiple submitters, no conflicts (2 of 4 stars). 2 submissions from 2 submitters: Likely benign (2). Last evaluated 2026-03-01.

gnomAD v4.1: 2 of 1,164,586 alleles (0.00017%); highest among the groups gnomAD compares: Non-Finnish European, 0.00021%; no homozygotes.

Submissions (2):

CeGaT Center for Human Genetics Tuebingen
Classification: Likely benign. Last evaluated: 2026-03-01. Review status: criteria provided, single submitter. Criteria: CeGaT Center For Human Genetics Tuebingen Variant Classification Criteria Version 2. Collection method: clinical testing. Allele origin: germline. Affected: yes. Observed: 1 variant allele.
Comment: MYCN: BP4, BP7

Labcorp Genetics (formerly Invitae), Labcorp
Classification: Likely benign. Last evaluated: 2026-01-05. Review status: criteria provided, single submitter. Criteria: Invitae Variant Classification Sherloc (09022015). Collection method: clinical testing. Allele origin: germline.

NM_005378.6(MYCN):c.597G>A (p.Lys199=)

Gene: MYCN (MYCN proto-oncogene, bHLH transcription factor; plus strand). Cytogenetic location: 2p24.3.
Variant type: single nucleotide variant.
Coding change: c.597G>A on transcript NM_005378.6 (MANE Select); coding-DNA position 597, G replaced by A.
Protein change: p.Lys199=; no amino-acid change (lysine 199 retained).
Molecular consequence: synonymous variant. On other transcripts: intron variant (1), 3 prime UTR variant (1).
Genome position (GRCh38, 1-based): chr2:15,942,661, G>A. VCF-style: chr2-15942661-G-A. GRCh37 (hg19) VCF-style: chr2-16082783-G-A.
Other names: c.157+1918G>A (NM_001293231.2); c.597G>A, p.Lys199= (NM_001293228.2); c.*532G>A (NM_001293233.2).
Identifiers: ClinVar variation 3686243 (VCV003686243.6).